The following is an entry in ClinVar:

NM_014159.7(SETD2):c.2296A>G (p.Met766Val)

Gene: SETD2 (SET domain containing 2, histone lysine methyltransferase; minus strand). Cytogenetic location: 3p21.31.
Variant type: single nucleotide variant.
Coding change: c.2296A>G on transcript NM_014159.7 (MANE Select); coding-DNA position 2296, A replaced by G.
Protein change: p.Met766Val; replaces methionine 766 with valine.
Molecular consequence: missense variant. On other transcripts: non-coding transcript variant (1).
Genome position (GRCh38, 1-based): chr3:47,122,340, T>C on the plus strand (A>G on the coding strand, the complement: SETD2 is on the minus strand). VCF-style: chr3-47122340-T-C. GRCh37 (hg19) VCF-style: chr3-47163830-T-C.
Other names: c.2164A>G, p.Met722Val (NM_001349370.3); short protein forms M722V, M766V.
Identifiers: ClinVar variation 1403094 (VCV001403094.8), dbSNP rs755560393, ClinGen allele CA2363557.

ClinVar aggregate classification (germline): Uncertain significance (1 of 4 stars; one submission).

Conditions:
Luscan-Lumish syndrome. Identifiers: Orphanet 597738, MedGen C4085873, MONDO:0014791, OMIM 616831.

Allele frequency attached by ClinVar (database versions not stated): gnomAD exomes below 0.00001; ExAC 0.00001.
gnomAD v4.1: 5 of 1,614,214 alleles (0.00031%); highest among the groups gnomAD compares: Non-Finnish European, 0.00025%; no homozygotes.

Submission:

Labcorp Genetics (formerly Invitae), Labcorp
Classification: Uncertain significance for Luscan-Lumish syndrome. Last evaluated: 2021-01-08. Review status: criteria provided, single submitter. Criteria: Invitae Variant Classification Sherloc (09022015). Collection method: clinical testing. Allele origin: germline.
Comment: This sequence change replaces methionine with valine at codon 766 of the SETD2 protein (p.Met766Val). The methionine residue is weakly conserved and there is a small physicochemical difference between methionine and valine. The frequency data for this variant in the population databases is considered unreliable, as metrics indicate poor data quality at this position in the ExAC database. This variant has not been reported in the literature in individuals with SETD2-related conditions. Algorithms developed to predict the effect of missense changes on protein structure and function output the following: SIFT: "Tolerated"; PolyPhen-2: "Benign"; Align-GVGD: "Class C0". The valine amino acid residue is found in multiple mammalian species, suggesting that this missense change does not adversely affect protein function. These predictions have not been confirmed by published functional studies and their clinical significance is uncertain. In summary, the available evidence is currently insufficient to determine the role of this variant in disease. Therefore, it has been classified as a Variant of Uncertain Significance.